The following is an entry in ClinVar:

ClinVar aggregate classification (germline): Uncertain significance (1 of 4 stars; one submission).

Conditions:
Seizures, benign familial infantile, 3 (BFIS3). Also called: CONVULSIONS, BENIGN FAMILIAL INFANTILE, 3; Familial neonatal seizures. Identifiers: Orphanet 140927, Orphanet 306, MedGen C1843140, MONDO:0011904, OMIM 607745.
Developmental and epileptic encephalopathy, 11 (DEE11). Also called: Early infantile epileptic encephalopathy 11. Identifiers: Orphanet 1934, MedGen C3150987, MONDO:0013388, OMIM 613721.

Submission:

Labcorp Genetics (formerly Invitae), Labcorp
Classification: Uncertain significance for Seizures, benign familial infantile, 3; Developmental and epileptic encephalopathy, 11. Last evaluated: 2021-08-23. Review status: criteria provided, single submitter. Criteria: Invitae Variant Classification Sherloc (09022015). Collection method: clinical testing. Allele origin: germline.
Comment: In summary, the available evidence is currently insufficient to determine the role of this variant in disease. Therefore, it has been classified as a Variant of Uncertain Significance. Algorithms developed to predict the effect of missense changes on protein structure and function are either unavailable or do not agree on the potential impact of this missense change (SIFT: "Deleterious"; PolyPhen-2: "Probably Damaging"; Align-GVGD: "Class C0"). This sequence change replaces methionine with leucine at codon 252 of the SCN2A protein (p.Met252Leu). The methionine residue is highly conserved and there is a small physicochemical difference between methionine and leucine. This variant is not present in population databases (ExAC no frequency). This variant has not been reported in the literature in individuals affected with SCN2A-related conditions.

NM_001040142.2(SCN2A):c.754A>T (p.Met252Leu)

Gene: SCN2A (sodium voltage-gated channel alpha subunit 2; plus strand). Cytogenetic location: 2q24.3.
Variant type: single nucleotide variant.
Coding change: c.754A>T on transcript NM_001040142.2 (MANE Select); coding-DNA position 754, A replaced by T.
Protein change: p.Met252Leu; replaces methionine 252 with leucine.
Molecular consequence: missense variant.
Genome position (GRCh38, 1-based): chr2:165,310,379, A>T. VCF-style: chr2-165310379-A-T. GRCh37 (hg19) VCF-style: chr2-166166889-A-T.
Other names: c.754A>T, p.Met252Leu (NM_001040143.2, NM_001371246.1, NM_001371247.1 and 1 more transcripts); short protein forms M252L.
Identifiers: ClinVar variation 1469191 (VCV001469191.6), dbSNP rs387906687, ClinGen allele CA349017955.
Genomic context (GRCh38, chr2:165,310,379, plus strand): 5'-GTAGGCCTGAAGACCATTGTGGGGGCCCTGATCCAGTCAGTGAAGAAGCTTTCTGATGTC[A>T]TGATCTTGACTGTGTTCTGTCTAAGCGTGTTTGCGCTAATAGGATTGCAGTTGTTCATGG-3'
Protein context (NP_001035232.1, residues 242-262): IQSVKKLSDV[Met252Leu]ILTVFCLSVF